The following is an entry in ClinVar:

NM_000152.5(GAA):c.-2C>T

Gene: GAA (alpha glucosidase; plus strand). Cytogenetic location: 17q25.3.
Variant type: single nucleotide variant.
Coding change: c.-2C>T on transcript NM_000152.5 (MANE Select); 2 bases upstream of the start codon, C replaced by T.
Molecular consequence: 5 prime UTR variant.
Genome position (GRCh38, 1-based): chr17:80,104,585, C>T. VCF-style: chr17-80104585-C-T. GRCh37 (hg19) VCF-style: chr17-78078384-C-T.
Other names: c.-2C>T (NM_001079803.3, NM_001079804.3, NM_001406741.1 and 1 more transcripts).
Identifiers: ClinVar variation 283494 (VCV000283494.11), dbSNP rs560511228, ClinGen allele CA8814755.

ClinVar aggregate classification (germline): Benign/Likely benign. Review status: criteria provided, multiple submitters, no conflicts (2 of 4 stars). 7 submissions from 7 submitters: Benign (2); Likely benign (4). 1 of the submissions does not count toward it. Last evaluated 2026-08-01.

Conditions:
GAA-related disorder. Also called: GAA-related condition.
Cardiovascular phenotype. Identifiers: MedGen CN230736.

Allele frequency attached by ClinVar (database versions not stated): gnomAD 0.00002 and 0.00022; TOPMed 0.00006; gnomAD exomes 0.00045 and 0.00100; ExAC 0.00124; 1000 Genomes Project 30x 0.00203; 1000 Genomes Project 0.00220.
gnomAD v4.1: 716 of 1,609,626 alleles (0.044%); highest among the groups gnomAD compares: South Asian, 0.71%; 12 homozygotes.

Submissions (7):

CeGaT Center for Human Genetics Tuebingen
Classification: Likely benign. Last evaluated: 2026-08-01. Review status: criteria provided, single submitter. Criteria: CeGaT Center For Human Genetics Tuebingen Variant Classification Criteria Version 2. Collection method: clinical testing. Allele origin: germline. Affected: yes. Observed: 1 variant allele.
Comment: GAA: BP4, BS2

Mayo Clinic Laboratories, Mayo Clinic
Classification: Likely benign. Last evaluated: 2024-10-23. Review status: criteria provided, single submitter. Criteria: ACMG Guidelines, 2015. Collection method: clinical testing. Allele origin: germline. Observed: 2 variant alleles.
Comment: BS1, BP4, BP7

Ambry Genetics
Classification: Benign for Cardiovascular phenotype. Last evaluated: 2024-04-25. Review status: criteria provided, single submitter. Criteria: Ambry Variant Classification Scheme 2023. Collection method: clinical testing. Allele origin: germline.

Women's Health and Genetics/Laboratory Corporation of America, LabCorp
Classification: Benign. Last evaluated: 2020-07-30. Review status: criteria provided, single submitter. Criteria: LabCorp Variant Classification Summary - May 2015. Collection method: clinical testing. Allele origin: germline.
Comment: Variant summary: GAA c.-2C>T is located in the untranslated mRNA region upstream of the initiation codon. 4/4 computational tools predict no significant impact on normal splicing. However, these predictions have yet to be confirmed by functional studies. The variant allele was found at a frequency of 0.001 in 247028 control chromosomes, predominantly at a frequency of 0.008 within the South Asian subpopulation in the gnomAD database, including 5 homozygotes. The observed variant frequency within South Asian control individuals in the gnomAD database is approximately 2-fold of the estimated maximal expected allele frequency for a pathogenic variant in GAA causing Glycogen Storage Disease, Type 2 (Pompe Disease) phenotype (0.0042), strongly suggesting that the variant is a benign polymorphism found primarily in populations of South Asian origin. To our knowledge, no occurrence of c.-2C>T in individuals affected with Glycogen Storage Disease, Type 2 (Pompe Disease) and no experimental evidence demonstrating its impact on protein function have been reported. Two clinical diagnostic laboratories have submitted clinical-significance assessments for this variant to ClinVar after 2014 without evidence for independent evaluation, and both of them classified the variant as likely benign. Based on the evidence outlined above, the variant was classified as benign.

GeneDx
Classification: Likely benign. Last evaluated: 2020-07-13. Review status: criteria provided, single submitter. Criteria: GeneDx Variant Classification Process June 2021. Collection method: clinical testing. Allele origin: germline. Affected: yes.

Eurofins Ntd Llc (ga)
Classification: Likely benign. Last evaluated: 2015-10-07. Review status: criteria provided, single submitter. Criteria: EGL Classification Definitions 2015. Collection method: clinical testing. Allele origin: germline. Observed: 1 variant allele, 1 heterozygote.

PreventionGenetics, part of Exact Sciences
Classification: Benign for GAA-related condition. Last evaluated: 2024-07-11. Review status: no assertion criteria provided. Collection method: clinical testing. Allele origin: germline. Not counted in ClinVar's aggregate classification.
Comment: This variant is classified as benign based on ACMG/AMP sequence variant interpretation guidelines (Richards et al. 2015 PMID: 25741868, with internal and published modifications).